The following is an entry in ClinVar:

NM_004977.3(KCNC3):c.1751C>T (p.Pro584Leu)

Gene: KCNC3 (potassium voltage-gated channel subfamily C member 3; minus strand). Cytogenetic location: 19q13.33.
Variant type: single nucleotide variant.
Coding change: c.1751C>T on transcript NM_004977.3 (MANE Select); coding-DNA position 1751, C replaced by T.
Protein change: p.Pro584Leu; replaces proline 584 with leucine.
Molecular consequence: missense variant.
Genome position (GRCh38, 1-based): chr19:50,323,202, G>A on the plus strand (C>T on the coding strand, the complement: KCNC3 is on the minus strand). VCF-style: chr19-50323202-G-A. GRCh37 (hg19) VCF-style: chr19-50826459-G-A.
Other names: c.1523C>T, p.Pro508Leu (NM_001372305.1); c.1751C>T (NM_004977.2); short protein forms P508L, P584L.
Identifiers: ClinVar variation 2403710 (VCV002403710.16), dbSNP rs1034583217, ClinGen allele CA309572683.

ClinVar aggregate classification (germline): Conflicting classifications of pathogenicity. Review status: criteria provided, conflicting classifications (1 of 4 stars). 3 submissions from 3 submitters: Uncertain significance (1); Likely benign (2). Last evaluated 2025-07-01.

Conditions:
Inborn genetic diseases. Identifiers: MedGen C0950123, MeSH D030342.

Allele frequency attached by ClinVar (database versions not stated): gnomAD 0.00003.
gnomAD v4.1: 53 of 1,519,674 alleles (0.0035%); highest among the groups gnomAD compares: African/African-American, 0.0096%; no homozygotes.

Submissions (3):

CeGaT Center for Human Genetics Tuebingen
Classification: Likely benign. Last evaluated: 2025-07-01. Review status: criteria provided, single submitter. Criteria: CeGaT Center For Human Genetics Tuebingen Variant Classification Criteria Version 2. Collection method: clinical testing. Allele origin: germline. Affected: yes. Observed: 1 variant allele.
Comment: KCNC3: BS2

Labcorp Genetics (formerly Invitae), Labcorp
Classification: Likely benign. Last evaluated: 2023-05-23. Review status: criteria provided, single submitter. Criteria: Invitae Variant Classification Sherloc (09022015). Collection method: clinical testing. Allele origin: germline.

Ambry Genetics
Classification: Uncertain significance for Inborn genetic diseases. Last evaluated: 2022-11-01. Review status: criteria provided, single submitter. Criteria: Ambry Variant Classification Scheme 2023. Collection method: clinical testing. Allele origin: germline.